The following is an entry in ClinVar:

ClinVar aggregate classification (germline): Uncertain significance. Review status: criteria provided, multiple submitters, no conflicts (2 of 4 stars). 2 submissions from 2 submitters: Uncertain significance (2). Last evaluated 2024-04-07.

Conditions:
Sotos syndrome (SOTOS). Also called: Sotos' syndrome; Distinctive facial appearance, overgrowth in childhood, and learning disabilities or delayed development; CHROMOSOME 5q35 DELETION SYNDROME; CEREBRAL GIGANTISM; SOTOS SYNDROME 1. Identifiers: Orphanet 821, MedGen C0175695, MONDO:0019349, OMIM 117550.
Inborn genetic diseases. Identifiers: MedGen C0950123, MeSH D030342.

Submissions (2):

Fulgent Genetics
Classification: Uncertain significance for Sotos syndrome. Last evaluated: 2024-04-07. Review status: criteria provided, single submitter. Criteria: ACMG Guidelines, 2015. Collection method: clinical testing. Allele origin: germline.

Ambry Genetics
Classification: Uncertain significance for Inborn genetic diseases. Last evaluated: 2018-04-19. Review status: criteria provided, single submitter. Criteria: Ambry Variant Classification Scheme 2023. Collection method: clinical testing. Allele origin: germline.
Comment: The p.K2049T variant (also known as c.6146A>C), located in coding exon 19 of the NSD1 gene, results from an A to C substitution at nucleotide position 6146. The lysine at codon 2049 is replaced by threonine, an amino acid with similar properties. This amino acid position is not well conserved in available vertebrate species. In addition, the in silico prediction for this alteration is inconclusive. Since supporting evidence is limited at this time, the clinical significance of this alteration remains unclear.

NM_022455.5(NSD1):c.6146A>C (p.Lys2049Thr)

Gene: NSD1 (nuclear receptor binding SET domain protein 1; plus strand). Cytogenetic location: 5q35.3.
Variant type: single nucleotide variant.
Coding change: c.6146A>C on transcript NM_022455.5 (MANE Select); coding-DNA position 6146, A replaced by C.
Protein change: p.Lys2049Thr; replaces lysine 2049 with threonine.
Molecular consequence: missense variant.
Genome position (GRCh38, 1-based): chr5:177,283,923, A>C. VCF-style: chr5-177283923-A-C. GRCh37 (hg19) VCF-style: chr5-176710924-A-C.
Other names: c.5273A>C, p.Lys1758Thr (NM_001365684.2, NM_001409308.1, NM_172349.5); c.6146A>C, p.Lys2049Thr (NM_001409301.1, NM_001409302.1, NM_001409303.1); c.5726A>C, p.Lys1909Thr (NM_001409304.1); c.5393A>C, p.Lys1798Thr (NM_001409305.1); c.5384A>C, p.Lys1795Thr (NM_001409306.1, NM_001409307.1); short protein forms K1795T, K1798T, K1758T, K1909T, K2049T, K1780T.
Identifiers: ClinVar variation 1751857 (VCV001751857.3), dbSNP rs2480794205, ClinGen allele CA362316777.